The following is an entry in ClinVar:

ClinVar aggregate classification (germline): Uncertain significance (1 of 4 stars; one submission).

Conditions:
TH-deficient dopa-responsive dystonia. Also called: Tyrosine Hydroxylase-Deficient Dopa-Responsive Dystonia; Segawa syndrome, autosomal recessive; DYT-TH. Identifiers: Orphanet 101150, MedGen C2673535, MONDO:0011551, OMIM 605407.

Allele frequency attached by ClinVar (database versions not stated): gnomAD 0.00001; gnomAD exomes 0.00001; TOPMed 0.00001; ExAC 0.00003.
gnomAD v4.1: 15 of 1,612,102 alleles (0.00093%); highest among the groups gnomAD compares: Middle Eastern, 0.017%; no homozygotes.

Submission:

Labcorp Genetics (formerly Invitae), Labcorp
Classification: Uncertain significance for TH-deficient dopa-responsive dystonia. Last evaluated: 2022-03-19. Review status: criteria provided, single submitter. Criteria: Invitae Variant Classification Sherloc (09022015). Collection method: clinical testing. Allele origin: germline.
Comment: This sequence change replaces arginine, which is basic and polar, with cysteine, which is neutral and slightly polar, at codon 180 of the TH protein (p.Arg180Cys). This variant is present in population databases (rs779228923, gnomAD 0.007%). This variant has not been reported in the literature in individuals affected with TH-related conditions. Advanced modeling of protein sequence and biophysical properties (such as structural, functional, and spatial information, amino acid conservation, physicochemical variation, residue mobility, and thermodynamic stability) performed at Invitae indicates that this missense variant is expected to disrupt TH protein function. Algorithms developed to predict the effect of sequence changes on RNA splicing suggest that this variant may create or strengthen a splice site. In summary, the available evidence is currently insufficient to determine the role of this variant in disease. Therefore, it has been classified as a Variant of Uncertain Significance.

NM_000360.4(TH):c.445C>T (p.Arg149Cys)

Gene: TH (tyrosine hydroxylase; minus strand). Cytogenetic location: 11p15.5.
Variant type: single nucleotide variant.
Coding change: c.445C>T on transcript NM_000360.4 (MANE Select); coding-DNA position 445, C replaced by T.
Protein change: p.Arg149Cys; replaces arginine 149 with cysteine.
Molecular consequence: missense variant.
Genome position (GRCh38, 1-based): chr11:2,168,533, G>A on the plus strand (C>T on the coding strand, the complement: TH is on the minus strand). VCF-style: chr11-2168533-G-A. GRCh37 (hg19) VCF-style: chr11-2189763-G-A.
Other names: c.538C>T, p.Arg180Cys (NM_199292.3); c.526C>T, p.Arg176Cys (NM_199293.3); short protein forms R149C, R180C, R176C.
Identifiers: ClinVar variation 1471703 (VCV001471703.3), dbSNP rs779228923, ClinGen allele CA5818662.